The following is an entry in ClinVar:

ClinVar aggregate classification (germline): Conflicting classifications of pathogenicity. Review status: criteria provided, conflicting classifications (1 of 4 stars). 10 submissions from 10 submitters: Uncertain significance (6); Likely benign (4). Last evaluated 2026-01-01.

Conditions:
Catecholaminergic polymorphic ventricular tachycardia (CVPT). Also called: Catecholamine-induced polymorphic ventricular tachycardia. Identifiers: Orphanet 3286, MedGen C5574922, MONDO:0017990.
Cardiovascular phenotype. Identifiers: MedGen CN230736.
Catecholaminergic polymorphic ventricular tachycardia 1. Also called: RYR2-Related Catecholaminergic Polymorphic Ventricular Tachycardia; VENTRICULAR TACHYCARDIA, CATECHOLAMINERGIC POLYMORPHIC, 1, WITH OR WITHOUT ATRIAL DYSFUNCTION AND/OR DILATED CARDIOMYOPATHY; VENTRICULAR TACHYCARDIA, STRESS-INDUCED POLYMORPHIC 1. Identifiers: Orphanet 3286, MedGen C1631597, MONDO:0011484, OMIM 604772.
Cardiomyopathy (CMYO). Also called: Cardiomyopathies. Identifiers: Orphanet 167848, MedGen C0878544, MONDO:0004994, HP:0001638. Inheritance: Various modes of inheritance.

Allele frequency attached by ClinVar (database versions not stated): TOPMed 0.00002; ExAC 0.00003; gnomAD exomes 0.00003 and 0.00005; gnomAD 0.00004.
gnomAD v4.1: 55 of 1,613,864 alleles (0.0034%); highest among the groups gnomAD compares: Middle Eastern, 0.016%; no homozygotes.

Submissions (10):

CeGaT Center for Human Genetics Tuebingen
Classification: Likely benign. Last evaluated: 2026-01-01. Review status: criteria provided, single submitter. Criteria: CeGaT Center For Human Genetics Tuebingen Variant Classification Criteria Version 2. Collection method: clinical testing. Allele origin: germline. Affected: yes. Observed: 2 variant alleles.
Comment: RYR2: BP4, BS2

Labcorp Genetics (formerly Invitae), Labcorp
Classification: Likely benign for Catecholaminergic polymorphic ventricular tachycardia 1. Last evaluated: 2025-12-31. Review status: criteria provided, single submitter. Criteria: Invitae Variant Classification Sherloc (09022015). Collection method: clinical testing. Allele origin: germline.

Color Diagnostics, LLC DBA Color Health
Classification: Likely benign for Cardiomyopathy. Last evaluated: 2025-08-14. Review status: criteria provided, single submitter. Criteria: ACMG Guidelines, 2015. Collection method: clinical testing. Allele origin: germline.

Ambry Genetics
Classification: Likely benign for Cardiovascular phenotype. Last evaluated: 2025-05-08. Review status: criteria provided, single submitter. Criteria: Ambry Variant Classification Scheme 2023. Collection method: clinical testing. Allele origin: germline.

GeneDx
Classification: Uncertain significance. Last evaluated: 2025-04-01. Review status: criteria provided, single submitter. Criteria: GeneDx Variant Classification Process June 2021. Collection method: clinical testing. Allele origin: germline. Affected: yes.
Comment: Has not been previously published as pathogenic or benign to our knowledge; In silico analysis indicates that this missense variant does not alter protein structure/function; Not located in one of the three hot-spot regions of the RYR2 gene, where the majority of pathogenic missense variants occur (PMID: 19926015); This variant is associated with the following publications: (PMID: 19926015)

All of Us Research Program, National Institutes of Health
Classification: Uncertain significance for Catecholaminergic polymorphic ventricular tachycardia. Last evaluated: 2024-08-29. Review status: criteria provided, single submitter. Criteria: ACMG Guidelines, 2015. Collection method: clinical testing. Allele origin: germline. Inheritance: Autosomal dominant inheritance. Observed: 21 variant alleles, 21 heterozygotes.
Comment: This missense variant replaces threonine with methionine at codon 1863 of the RYR2 protein. Computational prediction suggests that this variant may not impact protein structure and function (internally defined REVEL score threshold <= 0.5, PMID: 27666373). Splice site prediction tools suggest that this variant may not impact RNA splicing. To our knowledge, functional studies have not been performed for this variant. This variant has not been reported in individuals affected with cardiovascular disorders in the literature. This variant has not been identified in the general population by the Genome Aggregation Database (gnomAD). The available evidence is insufficient to determine the role of this variant in disease conclusively. Therefore, this variant is classified as a Variant of Uncertain Significance.

This study involves interpretation of variants in research participants for the purpose of population health screening. Participant phenotype was not available at the time of variant classification. Additional details can be found in publication PMID: 35346344, PMCID: PMC8962531

Women's Health and Genetics/Laboratory Corporation of America, LabCorp
Classification: Uncertain significance. Last evaluated: 2022-11-07. Review status: criteria provided, single submitter. Criteria: LabCorp Variant Classification Summary - May 2015. Collection method: clinical testing. Allele origin: germline.
Comment: Variant summary: RYR2 c.5588C>T (p.Thr1863Met) results in a non-conservative amino acid change in the encoded protein sequence. Three of four in-silico tools predict a benign effect of the variant on protein function. The variant allele was found at a frequency of 4.8e-05 in 248356 control chromosomes. The observed variant frequency is approximately 1.41 fold of the estimated maximal expected allele frequency for a pathogenic variant in RYR2 causing Catecholaminergic Polymorphic Ventricular Tachycardia phenotype (3.4e-05), suggesting that the variant may be benign. c.5588C>T has been reported in the literature in a Catecholaminergic Polymorphic Ventricular Tachycardia cohort (Mazzanti_2022). These reports do not provide unequivocal conclusions about association of the variant with Catecholaminergic Polymorphic Ventricular Tachycardia. To our knowledge, no experimental evidence demonstrating an impact on protein function has been reported. Seven clinical diagnostic laboratories have submitted clinical-significance assessments for this variant to ClinVar after 2014 without evidence for independent evaluation. All laboratories classified the variant as uncertain significance. Based on the evidence outlined above, the variant was classified as a VUS - possibly benign variant.

AiLife Diagnostics
Classification: Uncertain significance. Last evaluated: 2021-02-21. Review status: criteria provided, single submitter. Criteria: ACMG Guidelines, 2015. Collection method: clinical testing. Allele origin: germline. Affected: yes. Observed: 1 variant allele.

Molecular Diagnostic Laboratory for Inherited Cardiovascular Disease, Montreal Heart Institute
Classification: Uncertain significance. Last evaluated: 2016-09-26. Review status: criteria provided, single submitter. Criteria: ACMG Guidelines, 2015. Collection method: clinical testing. Allele origin: germline. Affected: yes.

Eurofins Ntd Llc (ga)
Classification: Uncertain significance. Last evaluated: 2015-06-29. Review status: criteria provided, single submitter. Criteria: EGL Classification Definitions 2015. Collection method: clinical testing. Allele origin: germline. Observed: 1 variant allele, 1 heterozygote.

Literature cited by the submitters: PubMed 28404607 (cited by Ambry Genetics and Women's Health and Genetics/Laboratory Corporation of America, LabCorp); PubMed 35353122 (cited by Women's Health and Genetics/Laboratory Corporation of America, LabCorp).

NM_001035.3(RYR2):c.5588C>T (p.Thr1863Met)

Gene: RYR2 (ryanodine receptor 2; plus strand). Cytogenetic location: 1q43.
Variant type: single nucleotide variant.
Coding change: c.5588C>T on transcript NM_001035.3 (MANE Select); coding-DNA position 5588, C replaced by T.
Protein change: p.Thr1863Met; replaces threonine 1863 with methionine.
Molecular consequence: missense variant.
Genome position (GRCh38, 1-based): chr1:237,614,716, C>T. VCF-style: chr1-237614716-C-T. GRCh37 (hg19) VCF-style: chr1-237778016-C-T.
Other names: p.T1863M:ACG>ATG; c.5588C>T, p.Thr1863Met (LRG_402t1); short protein forms T1863M.
Identifiers: ClinVar variation 201255 (VCV000201255.55), dbSNP rs770863319, ClinGen allele CA009896.